The following is an entry in ClinVar:

ClinVar aggregate classification (germline): Conflicting classifications of pathogenicity. Review status: criteria provided, conflicting classifications (1 of 4 stars). 2 submissions from 2 submitters: Uncertain significance (1); Likely benign (1). Last evaluated 2024-06-06.

Conditions:
Primary ciliary dyskinesia. Also called: Ciliary dyskinesia. Identifiers: Orphanet 244, MedGen C0008780, MONDO:0016575, HP:0012265.

Allele frequency attached by ClinVar (database versions not stated): gnomAD exomes below 0.00001; TOPMed 0.00001; ExAC 0.00002; gnomAD 0.00002; ESP Exome Variant Server 0.00008; 1000 Genomes Project 30x 0.00031; 1000 Genomes Project 0.00040.
gnomAD v4.1: 7 of 1,611,698 alleles (0.00043%); highest among the groups gnomAD compares: Non-Finnish European, 0.00059%; no homozygotes.

Submissions (2):

Ambry Genetics
Classification: Uncertain significance for Primary ciliary dyskinesia. Last evaluated: 2024-06-06. Review status: criteria provided, single submitter. Criteria: Ambry Variant Classification Scheme 2023. Collection method: clinical testing. Allele origin: germline.
Comment: The p.R2607K variant (also known as c.7820G>A), located in coding exon 48 of the DNAH11 gene, results from a G to A substitution at nucleotide position 7820. The arginine at codon 2607 is replaced by lysine, an amino acid with highly similar properties. This amino acid position is conserved. In addition, this alteration is predicted to be tolerated by in silico analysis. Based on the available evidence, the clinical significance of this variant remains unclear.

Labcorp Genetics (formerly Invitae), Labcorp
Classification: Likely benign for Primary ciliary dyskinesia. Last evaluated: 2023-12-29. Review status: criteria provided, single submitter. Criteria: Invitae Variant Classification Sherloc (09022015). Collection method: clinical testing. Allele origin: germline.

NM_001277115.2(DNAH11):c.7820G>A (p.Arg2607Lys)

Gene: DNAH11 (dynein axonemal heavy chain 11; plus strand). Cytogenetic location: 7p15.3.
Variant type: single nucleotide variant.
Coding change: c.7820G>A on transcript NM_001277115.2 (MANE Select); coding-DNA position 7820, G replaced by A.
Protein change: p.Arg2607Lys; replaces arginine 2607 with lysine.
Molecular consequence: missense variant.
Genome position (GRCh38, 1-based): chr7:21,739,579, G>A. VCF-style: chr7-21739579-G-A. GRCh37 (hg19) VCF-style: chr7-21779197-G-A.
Other names: c.7820G>A (NM_001277115.1); c.7841G>A, p.Arg2614Lys (NM_003777.3); short protein forms R2607K, R2614K.
Identifiers: ClinVar variation 3005741 (VCV003005741.4), dbSNP rs376929592, ClinGen allele CA4181374.